The following is an entry in ClinVar:

NM_001844.5(COL2A1):c.3111+26G>A

Gene: COL2A1 (collagen type II alpha 1 chain; minus strand). Cytogenetic location: 12q13.11.
Variant type: single nucleotide variant.
Coding change: c.3111+26G>A on transcript NM_001844.5 (MANE Select); 26 bases into the intron after coding-DNA position 3111, G replaced by A.
Molecular consequence: intron variant.
Genome position (GRCh38, 1-based): chr12:47,977,984, C>T on the plus strand (G>A on the coding strand, the complement: COL2A1 is on the minus strand). VCF-style: chr12-47977984-C-T. GRCh37 (hg19) VCF-style: chr12-48371767-C-T.
Other names: c.2904+26G>A (NM_033150.3).
Identifiers: ClinVar variation 676700 (VCV000676700.1), dbSNP rs58279970, ClinGen allele CA6534891.
Genomic context (GRCh38, chr12:47,977,984, plus strand): 5'-TGGGACTTGTCCTTGCTGACCCAGCACAGAGACTCACAGGGCCCCTCTCCCCAATCAGGG[C>T]CACCCCAGGGGGTCTCACTGCTCACCTCTCGTCCAGGTTCACCTGCAGGACCCGTCAGGC-3'

ClinVar aggregate classification (germline): Benign (1 of 4 stars; one submission).

Allele frequency attached by ClinVar (database versions not stated): gnomAD exomes 0.00644; ExAC 0.00929; gnomAD 0.02507 and 0.02671; TOPMed 0.02803; 1000 Genomes Project 0.02975; ESP Exome Variant Server 0.02985; 1000 Genomes Project 30x 0.03232.
gnomAD v4.1: 7,483 of 1,601,118 alleles (0.47%); highest among the groups gnomAD compares: African/African-American, 8.6%; 348 homozygotes.

Submission:

GeneDx
Classification: Benign. Last evaluated: 2018-06-14. Review status: criteria provided, single submitter. Criteria: GeneDx Variant Classification (06012015). Collection method: clinical testing. Allele origin: germline. Affected: yes.
Comment: This variant is considered likely benign or benign based on one or more of the following criteria: it is a conservative change, it occurs at a poorly conserved position in the protein, it is predicted to be benign by multiple in silico algorithms, and/or has population frequency not consistent with disease.